The following is an entry in ClinVar:

NM_005236.3(ERCC4):c.1447A>G (p.Arg483Gly)

Gene: ERCC4 (ERCC excision repair 4, endonuclease catalytic subunit; plus strand). Cytogenetic location: 16p13.12.
Variant type: single nucleotide variant.
Coding change: c.1447A>G on transcript NM_005236.3 (MANE Select); coding-DNA position 1447, A replaced by G.
Protein change: p.Arg483Gly; replaces arginine 483 with glycine.
Molecular consequence: missense variant.
Genome position (GRCh38, 1-based): chr16:13,935,379, A>G. VCF-style: chr16-13935379-A-G. GRCh37 (hg19) VCF-style: chr16-14029236-A-G.
Other names: c.1447A>G (NM_005236.2); short protein forms R483G.
Identifiers: ClinVar variation 134149 (VCV000134149.2), dbSNP rs587778286, ClinGen allele CA158909.

ClinVar aggregate classification (germline): Uncertain significance. Review status: criteria provided, single submitter (1 of 4 stars). 2 submissions from 2 submitters: Uncertain significance (1). 1 of the submissions does not count toward it. Last evaluated 2026-09-01.

Conditions:
Inborn genetic diseases. Identifiers: MedGen C0950123, MeSH D030342.

Submissions (2):

Ambry Genetics
Classification: Uncertain significance for Inborn genetic diseases. Last evaluated: 2026-09-01. Review status: criteria provided, single submitter. Criteria: Ambry Variant Classification Scheme 2023. Collection method: clinical testing. Allele origin: germline.

ITMI
No classification provided. Condition: AllHighlyPenetrant. Last evaluated: 2013-09-19. Review status: no classification provided. Collection method: reference population. Allele origin: germline. Not counted in ClinVar's aggregate classification.
Comment: Please see associated publication for description of ethnicities

Literature cited by the submitters: PubMed 24728327 (cited by ITMI).